The following is an entry in ClinVar:

ClinVar aggregate classification (germline): Uncertain significance (1 of 4 stars; one submission).

Allele frequency attached by ClinVar (database versions not stated): TOPMed 0.00003; gnomAD 0.00006; gnomAD exomes 0.00008; ExAC 0.00014; 1000 Genomes Project 0.00040; 1000 Genomes Project 30x 0.00047.
gnomAD v4.1: 130 of 1,602,262 alleles (0.0081%); highest among the groups gnomAD compares: South Asian, 0.063%; 1 homozygote.

Submission:

Labcorp Genetics (formerly Invitae), Labcorp
Classification: Uncertain significance. Last evaluated: 2024-02-08. Review status: criteria provided, single submitter. Criteria: Invitae Variant Classification Sherloc (09022015). Collection method: clinical testing. Allele origin: germline.
Comment: This sequence change replaces glutamic acid, which is acidic and polar, with lysine, which is basic and polar, at codon 857 of the TNS2 protein (p.Glu857Lys). This variant is present in population databases (rs561807912, gnomAD 0.07%), and has an allele count higher than expected for a pathogenic variant. This variant has not been reported in the literature in individuals affected with TNS2-related conditions. An algorithm developed to predict the effect of missense changes on protein structure and function (PolyPhen-2) suggests that this variant is likely to be disruptive. In summary, the available evidence is currently insufficient to determine the role of this variant in disease. Therefore, it has been classified as a Variant of Uncertain Significance.

NM_170754.4(TNS2):c.2539G>A (p.Glu847Lys)

Gene: TNS2 (tensin 2; plus strand). Cytogenetic location: 12q13.13.
Variant type: single nucleotide variant.
Coding change: c.2539G>A on transcript NM_170754.4 (MANE Select); coding-DNA position 2539, G replaced by A.
Protein change: p.Glu847Lys; replaces glutamic acid 847 with lysine.
Molecular consequence: missense variant.
Genome position (GRCh38, 1-based): chr12:53,060,180, G>A. VCF-style: chr12-53060180-G-A. GRCh37 (hg19) VCF-style: chr12-53453964-G-A.
Other names: c.2539G>A, p.Glu847Lys (NM_001416202.1); c.2497G>A, p.Glu833Lys (NM_001416203.1); c.2566G>A, p.Glu856Lys (NM_001416204.1); c.2470G>A, p.Glu824Lys (NM_015319.3); c.2167G>A, p.Glu723Lys (NM_198316.2); short protein forms E847K, E824K, E833K, E856K, E723K.
Identifiers: ClinVar variation 2857047 (VCV002857047.3), dbSNP rs561807912, ClinGen allele CA6592616.